The following is an entry in ClinVar:

ClinVar aggregate classification (germline): Uncertain significance (1 of 4 stars; one submission).

Submission:

Labcorp Genetics (formerly Invitae), Labcorp
Classification: Uncertain significance. Last evaluated: 2023-02-10. Review status: criteria provided, single submitter. Criteria: Invitae Variant Classification Sherloc (09022015). Collection method: clinical testing. Allele origin: germline.
Comment: This sequence change replaces valine, which is neutral and non-polar, with isoleucine, which is neutral and non-polar, at codon 656 of the DDX3X protein (p.Val656Ile). This variant is not present in population databases (gnomAD no frequency). This variant has not been reported in the literature in individuals affected with DDX3X-related conditions. Algorithms developed to predict the effect of missense changes on protein structure and function are either unavailable or do not agree on the potential impact of this missense change (SIFT: "Tolerated"; PolyPhen-2: "Not Available"; Align-GVGD: "Class C0"). In summary, the available evidence is currently insufficient to determine the role of this variant in disease. Therefore, it has been classified as a Variant of Uncertain Significance.

NM_001356.5(DDX3X):c.1969G>A (p.Val657Ile)

Gene: DDX3X (DEAD-box helicase 3 X-linked; plus strand). Cytogenetic location: Xp11.4.
Variant type: single nucleotide variant.
Coding change: c.1969G>A on transcript NM_001356.5 (MANE Select); coding-DNA position 1969, G replaced by A.
Protein change: p.Val657Ile; replaces valine 657 with isoleucine.
Molecular consequence: missense variant. On other transcripts: non-coding transcript variant (1).
Genome position (GRCh38, 1-based): chrX:41,347,699, G>A. VCF-style: chrX-41347699-G-A. GRCh37 (hg19) VCF-style: chrX-41206952-G-A.
Other names: c.1966G>A, p.Val656Ile (NM_001193416.3); c.1921G>A, p.Val641Ile (NM_001193417.3); c.1408G>A, p.Val470Ile (NM_001363819.1); short protein forms V470I, V657I, V641I, V656I.
Identifiers: ClinVar variation 2836092 (VCV002836092.3), dbSNP rs2063945159, ClinGen allele CA412780869.